The following is an entry in ClinVar:

ClinVar aggregate classification (germline): Uncertain significance (1 of 4 stars; one submission).

Conditions:
NIK deficiency. Also called: Primary immunodeficiency with multifaceted aberrant lymphoid immunity. Identifiers: Orphanet 447731, MedGen C5680065, MONDO:0018642.

Allele frequency attached by ClinVar (database versions not stated): gnomAD exomes below 0.00001 and 0.00001; gnomAD 0.00001; TOPMed 0.00002.
gnomAD v4.1: 6 of 1,613,926 alleles (0.00037%); highest among the groups gnomAD compares: Non-Finnish European, 0.00051%; no homozygotes.

Submission:

Labcorp Genetics (formerly Invitae), Labcorp
Classification: Uncertain significance for NIK deficiency. Last evaluated: 2022-08-23. Review status: criteria provided, single submitter. Criteria: Invitae Variant Classification Sherloc (09022015). Collection method: clinical testing. Allele origin: germline.
Comment: This sequence change replaces lysine, which is basic and polar, with asparagine, which is neutral and polar, at codon 137 of the MAP3K14 protein (p.Lys137Asn). This variant is present in population databases (no rsID available, gnomAD 0.0009%). This variant has not been reported in the literature in individuals affected with MAP3K14-related conditions. ClinVar contains an entry for this variant (Variation ID: 645542). In summary, the available evidence is currently insufficient to determine the role of this variant in disease. Therefore, it has been classified as a Variant of Uncertain Significance.

NM_003954.5(MAP3K14):c.411G>C (p.Lys137Asn)

Gene: MAP3K14 (mitogen-activated protein kinase kinase kinase 14; minus strand). Cytogenetic location: 17q21.31.
Variant type: single nucleotide variant.
Coding change: c.411G>C on transcript NM_003954.5 (MANE Select); coding-DNA position 411, G replaced by C.
Protein change: p.Lys137Asn; replaces lysine 137 with asparagine.
Molecular consequence: missense variant.
Genome position (GRCh38, 1-based): chr17:45,287,280, C>G on the plus strand (G>C on the coding strand, the complement: MAP3K14 is on the minus strand). VCF-style: chr17-45287280-C-G. GRCh37 (hg19) VCF-style: chr17-43364646-C-G.
Other names: c.411G>C, p.Lys137Asn (LRG_1222t1); short protein forms K137N.
Identifiers: ClinVar variation 645542 (VCV000645542.4), dbSNP rs922237736, ClinGen allele CA291070117.